The following is an entry in ClinVar:

NM_007227.3(GPR45):c.547G>C (p.Val183Leu)

Gene: GPR45 (G protein-coupled receptor 45; plus strand). Cytogenetic location: 2q12.1.
Variant type: single nucleotide variant.
Coding change: c.547G>C on transcript NM_007227.3 (MANE Select); coding-DNA position 547, G replaced by C.
Protein change: p.Val183Leu; replaces valine 183 with leucine.
Molecular consequence: missense variant.
Genome position (GRCh38, 1-based): chr2:105,242,405, G>C. VCF-style: chr2-105242405-G-C. GRCh37 (hg19) VCF-style: chr2-105858862-G-C.
Other names: short protein forms V183L.
Identifiers: ClinVar variation 3018915 (VCV003018915.3), dbSNP rs747257210, ClinGen allele CA1813610.

ClinVar aggregate classification (germline): Uncertain significance (1 of 4 stars; one submission).

Allele frequency attached by ClinVar (database versions not stated): ExAC 0.00001.

Submission:

Labcorp Genetics (formerly Invitae), Labcorp
Classification: Uncertain significance. Last evaluated: 2023-04-24. Review status: criteria provided, single submitter. Criteria: Invitae Variant Classification Sherloc (09022015). Collection method: clinical testing. Allele origin: germline.
Comment: In summary, the available evidence is currently insufficient to determine the role of this variant in disease. Therefore, it has been classified as a Variant of Uncertain Significance. An algorithm developed to predict the effect of missense changes on protein structure and function (PolyPhen-2) suggests that this variant is likely to be tolerated. This variant has not been reported in the literature in individuals affected with GPR45-related conditions. This variant is present in population databases (rs747257210, gnomAD 0.003%). This sequence change replaces valine, which is neutral and non-polar, with leucine, which is neutral and non-polar, at codon 183 of the GPR45 protein (p.Val183Leu).